The following is an entry in ClinVar:

NM_012301.4(MAGI2):c.3097C>A (p.Leu1033Met)

Gene: MAGI2 (membrane associated guanylate kinase, WW and PDZ domain containing 2; minus strand). Cytogenetic location: 7q21.11.
Variant type: single nucleotide variant.
Coding change: c.3097C>A on transcript NM_012301.4 (MANE Select); coding-DNA position 3097, C replaced by A.
Protein change: p.Leu1033Met; replaces leucine 1033 with methionine.
Molecular consequence: missense variant.
Genome position (GRCh38, 1-based): chr7:78,132,995, G>T on the plus strand (C>A on the coding strand, the complement: MAGI2 is on the minus strand). VCF-style: chr7-78132995-G-T. GRCh37 (hg19) VCF-style: chr7-77762312-G-T.
Other names: c.3055C>A, p.Leu1019Met (NM_001301128.2); short protein forms L1033M, L1019M.
Identifiers: ClinVar variation 3571848 (VCV003571848.1).

ClinVar aggregate classification (germline): Uncertain significance (1 of 4 stars; one submission).

gnomAD v4.1: 14 of 1,610,806 alleles (0.00087%); highest among the groups gnomAD compares: African/African-American, 0.011%; no homozygotes.

Submission:

Athena Diagnostics
Classification: Uncertain significance. Last evaluated: 2024-09-23. Review status: criteria provided, single submitter. Criteria: Athena Diagnostics Criteria. Collection method: clinical testing. Allele origin: unknown.
Comment: Available data are insufficient to determine the clinical significance of the variant at this time. The frequency of this variant in the general population is uninformative in assessment of its pathogenicity. Polyphen and MutationTaster predict this amino acid change may be benign.